The following is an entry in ClinVar:

ClinVar aggregate classification (germline): Benign/Likely benign. Review status: criteria provided, multiple submitters, no conflicts (2 of 4 stars). 5 submissions from 5 submitters: Benign (4); Likely benign (1). Last evaluated 2026-02-04.

Conditions:
Hypertrophic cardiomyopathy. Also called: HYPERTROPHIC MYOCARDIOPATHY. Identifiers: Orphanet 217569, MedGen C0007194, MeSH D002312, MONDO:0005045, HP:0001639.

Allele frequency attached by ClinVar (database versions not stated): 1000 Genomes Project 0.27316; 1000 Genomes Project 30x 0.27389; gnomAD exomes 0.28226 and 0.30662; ExAC 0.28611; TOPMed 0.28818; gnomAD 0.29392 and 0.29399; ESP Exome Variant Server 0.29397.
gnomAD v4.1: 485,115 of 1,590,008 alleles (31%); highest among the groups gnomAD compares: Non-Finnish European, 31%; 75,850 homozygotes.

Submissions (5):

Labcorp Genetics (formerly Invitae), Labcorp
Classification: Benign for Hypertrophic cardiomyopathy. Last evaluated: 2026-02-04. Review status: criteria provided, single submitter. Criteria: Invitae Variant Classification Sherloc (09022015). Collection method: clinical testing. Allele origin: germline.

Ambry Genetics
Classification: Likely benign. Last evaluated: 2022-05-17. Review status: criteria provided, single submitter. Criteria: Ambry Variant Classification Scheme 2023. Collection method: clinical testing. Allele origin: germline.

GeneDx
Classification: Benign. Last evaluated: 2018-06-13. Review status: criteria provided, single submitter. Criteria: GeneDx Variant Classification (06012015). Collection method: clinical testing. Allele origin: germline. Affected: yes.
Comment: This variant is considered likely benign or benign based on one or more of the following criteria: it is a conservative change, it occurs at a poorly conserved position in the protein, it is predicted to be benign by multiple in silico algorithms, and/or has population frequency not consistent with disease.

Laboratory for Molecular Medicine, Mass General Brigham Personalized Medicine
Classification: Benign. Last evaluated: 2014-11-24. Review status: criteria provided, single submitter. Criteria: LMM Criteria. Collection method: clinical testing. Allele origin: germline. Observed: 240 variant alleles.
Comment: Gly333Gly in exon 6 of MYOM1: This variant is not expected to have clinical sign ificance because it does not alter an amino acid residue and is not located with in the splice consensus sequence. It has been identified in 31.2% (2585/8296) of European American chromosomes from a broad population by the NHLBI Exome Sequen cing Project (dbSNP rs2230162).

Breakthrough Genomics
Classification: Benign. Review status: criteria provided, single submitter. Criteria: ACMG Guidelines, 2015. Collection method: not provided. Allele origin: germline. Inheritance: Unknown mechanism. Affected: yes.

NM_003803.4(MYOM1):c.999G>A (p.Gly333=)

Gene: MYOM1 (myomesin 1; minus strand). Cytogenetic location: 18p11.31.
Variant type: single nucleotide variant.
Coding change: c.999G>A on transcript NM_003803.4 (MANE Select); coding-DNA position 999, G replaced by A.
Protein change: p.Gly333=; no amino-acid change (glycine 333 retained).
Molecular consequence: synonymous variant.
Genome position (GRCh38, 1-based): chr18:3,176,065, C>T on the plus strand (G>A on the coding strand, the complement: MYOM1 is on the minus strand). VCF-style: chr18-3176065-C-T. GRCh37 (hg19) VCF-style: chr18-3176063-C-T.
Other names: c.999G>A, p.Gly333= (NM_019856.2).
Identifiers: ClinVar variation 226838 (VCV000226838.19), dbSNP rs2230162, ClinGen allele CA8875102.